The following is an entry in ClinVar:

ClinVar aggregate classification (germline): Uncertain significance. Review status: criteria provided, multiple submitters, no conflicts (2 of 4 stars). 2 submissions from 2 submitters: Uncertain significance (2). Last evaluated 2026-05-13.

Conditions:
Inborn genetic diseases. Identifiers: MedGen C0950123, MeSH D030342.

Allele frequency attached by ClinVar (database versions not stated): gnomAD 0.00003; ExAC 0.00002; TOPMed 0.00002.
gnomAD v4.1: 16 of 1,613,934 alleles (0.00099%); highest among the groups gnomAD compares: Non-Finnish European, 0.0014%; no homozygotes.

Submissions (2):

Ambry Genetics
Classification: Uncertain significance for Inborn genetic diseases. Last evaluated: 2026-05-13. Review status: criteria provided, single submitter. Criteria: Ambry Variant Classification Scheme 2023. Collection method: clinical testing. Allele origin: germline.

Labcorp Genetics (formerly Invitae), Labcorp
Classification: Uncertain significance. Last evaluated: 2022-12-25. Review status: criteria provided, single submitter. Criteria: Invitae Variant Classification Sherloc (09022015). Collection method: clinical testing. Allele origin: germline.
Comment: This variant has not been reported in the literature in individuals affected with KLHL7-related conditions. This variant is present in population databases (rs767526849, gnomAD 0.005%). This sequence change replaces serine, which is neutral and polar, with threonine, which is neutral and polar, at codon 315 of the KLHL7 protein (p.Ser315Thr). Algorithms developed to predict the effect of missense changes on protein structure and function (SIFT, PolyPhen-2, Align-GVGD) all suggest that this variant is likely to be tolerated. In summary, the available evidence is currently insufficient to determine the role of this variant in disease. Therefore, it has been classified as a Variant of Uncertain Significance.

NM_001031710.3(KLHL7):c.944G>C (p.Ser315Thr)

Gene: KLHL7 (kelch like family member 7; plus strand). Cytogenetic location: 7p15.3.
Variant type: single nucleotide variant.
Coding change: c.944G>C on transcript NM_001031710.3 (MANE Select); coding-DNA position 944, G replaced by C.
Protein change: p.Ser315Thr; replaces serine 315 with threonine.
Molecular consequence: missense variant. On other transcripts: non-coding transcript variant (1).
Genome position (GRCh38, 1-based): chr7:23,165,705, G>C. VCF-style: chr7-23165705-G-C. GRCh37 (hg19) VCF-style: chr7-23205324-G-C.
Other names: c.944G>C (NM_001031710.2); c.800G>C, p.Ser267Thr (NM_018846.5); short protein forms S315T, S267T.
Identifiers: ClinVar variation 2987260 (VCV002987260.4), dbSNP rs767526849, ClinGen allele CA4186532.